The following is an entry in ClinVar:

NM_000302.4(PLOD1):c.1785C>A (p.Asn595Lys)

Gene: PLOD1 (procollagen-lysine,2-oxoglutarate 5-dioxygenase 1; plus strand). Cytogenetic location: 1p36.22.
Variant type: single nucleotide variant.
Coding change: c.1785C>A on transcript NM_000302.4 (MANE Select); coding-DNA position 1785, C replaced by A.
Protein change: p.Asn595Lys; replaces asparagine 595 with lysine.
Molecular consequence: missense variant.
Genome position (GRCh38, 1-based): chr1:11,970,699, C>A. VCF-style: chr1-11970699-C-A. GRCh37 (hg19) VCF-style: chr1-12030756-C-A.
Other names: c.1926C>A, p.Asn642Lys (NM_001316320.2); short protein forms N595K, N642K.
Identifiers: ClinVar variation 575115 (VCV000575115.10), dbSNP rs771350321, ClinGen allele CA338449281.

ClinVar aggregate classification (germline): Uncertain significance. Review status: criteria provided, multiple submitters, no conflicts (2 of 4 stars). 4 submissions from 4 submitters: Uncertain significance (4). Last evaluated 2022-04-23.

Conditions:
Familial thoracic aortic aneurysm and aortic dissection (TAAD). Also called: Thoracic aortic aneurysms and dissections. Identifiers: Orphanet 91387, MedGen C4707243, MONDO:0019625.
Ehlers-Danlos syndrome, kyphoscoliotic type 1 (EDSKSCL1). Also called: EHLERS-DANLOS SYNDROME, OCULAR-SCOLIOTIC TYPE; Ehlers-Danlos syndrome, hydroxylysine-deficient; PLOD1-Related Kyphoscoliotic Ehlers-Danlos Syndrome; EHLERS-DANLOS SYNDROME, TYPE VIA. Identifiers: Orphanet 1900, MedGen C0268342, MONDO:0016002, OMIM 225400. Disease mechanism: loss of function.

gnomAD v4.1: 3 of 1,613,172 alleles (0.00019%); highest among the groups gnomAD compares: Non-Finnish European, 0.00025%; no homozygotes.

Submissions (4):

Ambry Genetics
Classification: Uncertain significance for Familial thoracic aortic aneurysm and aortic dissection. Last evaluated: 2022-04-23. Review status: criteria provided, single submitter. Criteria: Ambry Variant Classification Scheme 2023. Collection method: clinical testing. Allele origin: germline.
Comment: The p.N595K variant (also known as c.1785C>A), located in coding exon 17 of the PLOD1 gene, results from a C to A substitution at nucleotide position 1785. The asparagine at codon 595 is replaced by lysine, an amino acid with similar properties. This amino acid position is conserved. In addition, the in silico prediction for this alteration is inconclusive. Since supporting evidence is limited at this time, the clinical significance of this alteration remains unclear.

Labcorp Genetics (formerly Invitae), Labcorp
Classification: Uncertain significance for Ehlers-Danlos syndrome, kyphoscoliotic type 1. Last evaluated: 2022-03-11. Review status: criteria provided, single submitter. Criteria: Invitae Variant Classification Sherloc (09022015). Collection method: clinical testing. Allele origin: germline.
Comment: This sequence change replaces asparagine, which is neutral and polar, with lysine, which is basic and polar, at codon 595 of the PLOD1 protein (p.Asn595Lys). This variant is not present in population databases (gnomAD no frequency). This variant has not been reported in the literature in individuals affected with PLOD1-related conditions. ClinVar contains an entry for this variant (Variation ID: 575115). Algorithms developed to predict the effect of missense changes on protein structure and function are either unavailable or do not agree on the potential impact of this missense change (SIFT: "Tolerated"; PolyPhen-2: "Possibly Damaging"; Align-GVGD: "Class C0"). In summary, the available evidence is currently insufficient to determine the role of this variant in disease. Therefore, it has been classified as a Variant of Uncertain Significance.

GeneDx
Classification: Uncertain significance. Last evaluated: 2019-07-03. Review status: criteria provided, single submitter. Criteria: GeneDx Variant Classification Process June 2021. Collection method: clinical testing. Allele origin: germline. Affected: yes.
Comment: Not observed in large population cohorts (Lek et al., 2016); In silico analysis, which includes protein predictors and evolutionary conservation, supports a deleterious effect; Has not been previously published as pathogenic or benign to our knowledge

Illumina Laboratory Services, Illumina
Classification: Uncertain significance for Ehlers-Danlos syndrome, kyphoscoliotic type 1. Last evaluated: 2018-01-13. Review status: criteria provided, single submitter. Criteria: ICSL Variant Classification Criteria 13 December 2019. Collection method: clinical testing. Allele origin: germline.